The following is an entry in ClinVar:

ClinVar aggregate classification (germline): Uncertain significance (1 of 4 stars; one submission).

Conditions:
Familial hemophagocytic lymphohistiocytosis 5. Also called: STXBP2-Related Familial Hemophagocytic Lymphohistiocytosis (STXBP2-fHLH). Identifiers: Orphanet 540, MedGen C2751293, MONDO:0013135, OMIM 613101.

Submission:

Labcorp Genetics (formerly Invitae), Labcorp
Classification: Uncertain significance for Familial hemophagocytic lymphohistiocytosis 5. Last evaluated: 2023-12-11. Review status: criteria provided, single submitter. Criteria: Invitae Variant Classification Sherloc (09022015). Collection method: clinical testing. Allele origin: germline.
Comment: This sequence change falls in intron 18 of the STXBP2 gene. It does not directly change the encoded amino acid sequence of the STXBP2 protein. It affects a nucleotide within the consensus splice site. This variant is not present in population databases (gnomAD no frequency). This variant has not been reported in the literature in individuals affected with STXBP2-related conditions. ClinVar contains an entry for this variant (Variation ID: 1390563). Variants that disrupt the consensus splice site are a relatively common cause of aberrant splicing (PMID: 17576681, 9536098). Algorithms developed to predict the effect of sequence changes on RNA splicing suggest that this variant may disrupt the consensus splice site. In summary, the available evidence is currently insufficient to determine the role of this variant in disease. Therefore, it has been classified as a Variant of Uncertain Significance.

Literature cited by the submitters: PubMed 17576681; PubMed 9536098.

NM_006949.4(STXBP2):c.1697-3C>G

Gene: STXBP2 (syntaxin binding protein 2; plus strand). Cytogenetic location: 19p13.2.
Variant type: single nucleotide variant.
Coding change: c.1697-3C>G on transcript NM_006949.4 (MANE Select); 3 bases into the intron before coding-DNA position 1697, C replaced by G.
Molecular consequence: intron variant.
Genome position (GRCh38, 1-based): chr19:7,647,722, C>G. VCF-style: chr19-7647722-C-G. GRCh37 (hg19) VCF-style: chr19-7712608-C-G.
Other names: c.1730-3C>G (NM_001272034.2); c.1688-3C>G (NM_001127396.3).
Identifiers: ClinVar variation 1390563 (VCV001390563.6), dbSNP rs2146234615, ClinGen allele CA2573155941.